The following is an entry in ClinVar:

NM_001204.7(BMPR2):c.1997A>G (p.Asn666Ser)

Gene: BMPR2 (bone morphogenetic protein receptor type 2; plus strand). Cytogenetic location: 2q33.2.
Variant type: single nucleotide variant.
Coding change: c.1997A>G on transcript NM_001204.7 (MANE Select); coding-DNA position 1997, A replaced by G.
Protein change: p.Asn666Ser; replaces asparagine 666 with serine.
Molecular consequence: missense variant.
Genome position (GRCh38, 1-based): chr2:202,555,662, A>G. VCF-style: chr2-202555662-A-G. GRCh37 (hg19) VCF-style: chr2-203420385-A-G.
Other names: short protein forms N666S.
Identifiers: ClinVar variation 3481297 (VCV003481297.1).

ClinVar aggregate classification (germline): Uncertain significance (1 of 4 stars; one submission).

Conditions:
Inborn genetic diseases. Identifiers: MedGen C0950123, MeSH D030342.

gnomAD v4.1: 6 of 1,613,998 alleles (0.00037%); highest among the groups gnomAD compares: African/African-American, 0.004%; no homozygotes.

Submission:

Ambry Genetics
Classification: Uncertain significance for Inborn genetic diseases. Last evaluated: 2024-11-25. Review status: criteria provided, single submitter. Criteria: Ambry Variant Classification Scheme 2023. Collection method: clinical testing. Allele origin: germline.
Comment: The p.N666S variant (also known as c.1997A>G), located in coding exon 12 of the BMPR2 gene, results from an A to G substitution at nucleotide position 1997. The asparagine at codon 666 is replaced by serine, an amino acid with highly similar properties. This amino acid position is conserved. In addition, this alteration is predicted to be tolerated by in silico analysis. Based on the available evidence, the clinical significance of this variant remains unclear.